The following is an entry in ClinVar:

ClinVar aggregate classification (germline): Likely benign. Review status: criteria provided, multiple submitters, no conflicts (2 of 4 stars). 3 submissions from 3 submitters: Likely benign (3). Last evaluated 2025-12-22.

Conditions:
OTOGL-related disorder. Also called: OTOGL-related condition.
Inborn genetic diseases. Identifiers: MedGen C0950123, MeSH D030342.

Allele frequency attached by ClinVar (database versions not stated): gnomAD 0.00001 and 0.00009; TOPMed 0.00003; gnomAD exomes 0.00028; ExAC 0.00035; 1000 Genomes Project 0.00060; 1000 Genomes Project 30x 0.00078.
gnomAD v4.1: 191 of 1,608,816 alleles (0.012%); highest among the groups gnomAD compares: South Asian, 0.2%; 1 homozygote.

Submissions (3):

PreventionGenetics, part of Exact Sciences
Classification: Likely benign for OTOGL-related condition. Last evaluated: 2025-12-22. Review status: criteria provided, single submitter. Criteria: ACMG Guidelines, 2015. Collection method: clinical testing. Allele origin: germline.
Comment: This variant is classified as likely benign based on ACMG/AMP sequence variant interpretation guidelines (Richards et al. 2015 PMID: 25741868, with internal and published modifications).

Ambry Genetics
Classification: Likely benign for Inborn genetic diseases. Last evaluated: 2024-09-11. Review status: criteria provided, single submitter. Criteria: Ambry Variant Classification Scheme 2023. Collection method: clinical testing. Allele origin: germline.

Laboratory for Molecular Medicine, Mass General Brigham Personalized Medicine
Classification: Likely benign. Last evaluated: 2018-11-28. Review status: criteria provided, single submitter. Criteria: LMM Criteria. Collection method: clinical testing. Allele origin: germline. Observed: 1 variant allele.
Comment: The p.Gly1690Ser variant in OTOGL is classified as likely benign because it has been identified in 0.22% (66/29418) of South Asian chromosomes by gnomAD, and computational prediction tools and conservation analysis suggest that this variant may not impact the protein. ACMG/AMP Criteri a applied: BS1_Supporting, BP4.

NM_001378609.3(OTOGL):c.5095G>A (p.Gly1699Ser)

Gene: OTOGL (otogelin like; plus strand). Cytogenetic location: 12q21.31.
Variant type: single nucleotide variant.
Coding change: c.5095G>A on transcript NM_001378609.3 (MANE Select); coding-DNA position 5095, G replaced by A.
Protein change: p.Gly1699Ser; replaces glycine 1699 with serine.
Molecular consequence: missense variant.
Genome position (GRCh38, 1-based): chr12:80,341,992, G>A. VCF-style: chr12-80341992-G-A. GRCh37 (hg19) VCF-style: chr12-80735772-G-A.
Other names: c.4960G>A, p.Gly1654Ser (NM_001368062.3); c.5095G>A, p.Gly1699Ser (NM_001378610.3, NM_173591.7); short protein forms G1690S, G1654S, G1699S.
Identifiers: ClinVar variation 667147 (VCV000667147.6), dbSNP rs563989349, ClinGen allele CA6701637.